The following is an entry in ClinVar:

NM_001042681.2(RERE):c.2471C>T (p.Pro824Leu)

Gene: RERE (arginine-glutamic acid dipeptide repeats; minus strand). Cytogenetic location: 1p36.23.
Variant type: single nucleotide variant.
Coding change: c.2471C>T on transcript NM_001042681.2 (MANE Select); coding-DNA position 2471, C replaced by T.
Protein change: p.Pro824Leu; replaces proline 824 with leucine.
Molecular consequence: missense variant.
Genome position (GRCh38, 1-based): chr1:8,361,036, G>A on the plus strand (C>T on the coding strand, the complement: RERE is on the minus strand). VCF-style: chr1-8361036-G-A. GRCh37 (hg19) VCF-style: chr1-8421096-G-A.
Other names: c.809C>T, p.Pro270Leu (NM_001042682.2); c.2471C>T, p.Pro824Leu (NM_012102.4); short protein forms P824L, P270L.
Identifiers: ClinVar variation 2353890 (VCV002353890.28), dbSNP rs200831808, ClinGen allele CA571355.

ClinVar aggregate classification (germline): Likely benign. Review status: criteria provided, multiple submitters, no conflicts (2 of 4 stars). 4 submissions from 4 submitters: Likely benign (3). 1 of the submissions does not count toward it. Last evaluated 2024-11-25.

Conditions:
RERE-related disorder. Also called: RERE-related condition; RERE-Related Disorders. Identifiers: MedGen CN381537.
Inborn genetic diseases. Identifiers: MedGen C0950123, MeSH D030342.

Allele frequency attached by ClinVar (database versions not stated): TOPMed 0.00029; ExAC 0.00097.
gnomAD v4.1: 1,324 of 1,438,802 alleles (0.092%); highest among the groups gnomAD compares: Non-Finnish European, 0.044%; 9 homozygotes.

Submissions (4):

Blueprint Genetics
Classification: Likely benign. Last evaluated: 2024-11-25. Review status: criteria provided, single submitter. Criteria: ACMG Guidelines, 2015. Collection method: clinical testing. Allele origin: germline.

CeGaT Center for Human Genetics Tuebingen
Classification: Likely benign. Last evaluated: 2023-03-01. Review status: criteria provided, single submitter. Criteria: CeGaT Center For Human Genetics Tuebingen Variant Classification Criteria Version 2. Collection method: clinical testing. Allele origin: germline. Affected: yes. Observed: 1 variant allele.
Comment: RERE: BS2

Ambry Genetics
Classification: Likely benign for Inborn genetic diseases. Last evaluated: 2021-11-08. Review status: criteria provided, single submitter. Criteria: Ambry Variant Classification Scheme 2023. Collection method: clinical testing. Allele origin: germline.

PreventionGenetics, part of Exact Sciences
Classification: Likely benign for RERE-related condition. Last evaluated: 2023-01-17. Review status: no assertion criteria provided. Collection method: clinical testing. Allele origin: germline. Not counted in ClinVar's aggregate classification.
Comment: This variant is classified as likely benign based on ACMG/AMP sequence variant interpretation guidelines (Richards et al. 2015 PMID: 25741868, with internal and published modifications).